The following is an entry in ClinVar:

ClinVar aggregate classification (germline): Uncertain significance (1 of 4 stars; one submission).

Conditions:
Arrhythmogenic cardiomyopathy with wooly hair and keratoderma. Also called: Carvajal syndrome; PALMOPLANTAR KERATODERMA WITH LEFT VENTRICULAR CARDIOMYOPATHY AND WOOLLY HAIR; Dilated cardiomyopathy with woolly hair and keratoderma; Arrhythmogenic cardiomyopathy with woolly hair and keratoderma. Identifiers: Orphanet 65282, MedGen C1854063, MONDO:0011581, OMIM 605676.

Allele frequency attached by ClinVar (database versions not stated): gnomAD exomes below 0.00001.
gnomAD v4.1: 1 of 1,614,058 alleles (0.000062%); highest among the groups gnomAD compares: East Asian, 0.0022%; no homozygotes.

Submission:

All of Us Research Program, National Institutes of Health
Classification: Uncertain significance for Arrhythmogenic cardiomyopathy with wooly hair and keratoderma. Last evaluated: 2023-04-03. Review status: criteria provided, single submitter. Criteria: ACMG Guidelines, 2015. Collection method: clinical testing. Allele origin: germline. Inheritance: Autosomal dominant inheritance. Observed: 1 variant allele, 1 heterozygote.
Comment: This missense variant replaces leucine with methionine at codon 1598 of the DSP protein. Computational prediction suggests that this variant may not impact protein structure and function (internally defined REVEL score threshold <= 0.5, PMID: 27666373). To our knowledge, functional studies have not been reported for this variant. This variant has not been reported in individuals affected with DSP-related disorders in the literature. This variant has been identified in 1/249788 chromosomes in the general population by the Genome Aggregation Database (gnomAD). The available evidence is insufficient to determine the role of this variant in disease conclusively. Therefore, this variant is classified as a Variant of Uncertain Significance.

This study involves interpretation of variants in research participants for the purpose of population health screening. Participant phenotype was not available at the time of variant classification. Additional details can be found in publication PMID: 35346344, PMCID: PMC8962531

NM_004415.4(DSP):c.4792C>A (p.Leu1598Met)

Gene: DSP (desmoplakin; plus strand). Cytogenetic location: 6p24.3.
Variant type: single nucleotide variant.
Coding change: c.4792C>A on transcript NM_004415.4 (MANE Select); coding-DNA position 4792, C replaced by A.
Protein change: p.Leu1598Met; replaces leucine 1598 with methionine.
Molecular consequence: missense variant. On other transcripts: intron variant (2).
Genome position (GRCh38, 1-based): chr6:7,580,982, C>A. VCF-style: chr6-7580982-C-A. GRCh37 (hg19) VCF-style: chr6-7581215-C-A.
Other names: c.4050+742C>A (NM_001319034.2); c.3582+1210C>A (NM_001008844.3); short protein forms L1598M.
Identifiers: ClinVar variation 3070125 (VCV003070125.1), dbSNP rs1259351330, ClinGen allele CA362687167.